The following is an entry in ClinVar:

NM_015978.3(TNNI3K):c.786A>T (p.Gln262His)

Genes: FPGT-TNNI3K (FPGT-TNNI3K readthrough; plus strand), TNNI3K (TNNI3 interacting kinase; plus strand). Cytogenetic location: 1p31.1.
Variant type: single nucleotide variant.
Coding change: c.786A>T on transcript NM_015978.3 (MANE Select); coding-DNA position 786, A replaced by T.
Protein change: p.Gln262His; replaces glutamine 262 with histidine.
Molecular consequence: missense variant.
Genome position (GRCh38, 1-based): chr1:74,342,945, A>T. VCF-style: chr1-74342945-A-T. GRCh37 (hg19) VCF-style: chr1-74808629-A-T.
Other names: c.1089A>T, p.Gln363His (NM_001112808.3, NM_001199327.2); short protein forms Q363H, Q262H.
Identifiers: ClinVar variation 2992831 (VCV002992831.3), dbSNP rs1660821790, ClinGen allele CA340781819.

ClinVar aggregate classification (germline): Uncertain significance (1 of 4 stars; one submission).

Allele frequency attached by ClinVar (database versions not stated): TOPMed below 0.00001.
gnomAD v4.1: 1 of 1,613,912 alleles (0.000062%); highest among the groups gnomAD compares: African/African-American, 0.0013%; no homozygotes.

Submission:

Labcorp Genetics (formerly Invitae), Labcorp
Classification: Uncertain significance. Last evaluated: 2023-03-30. Review status: criteria provided, single submitter. Criteria: Invitae Variant Classification Sherloc (09022015). Collection method: clinical testing. Allele origin: germline.
Comment: In summary, the available evidence is currently insufficient to determine the role of this variant in disease. Therefore, it has been classified as a Variant of Uncertain Significance. Advanced modeling of protein sequence and biophysical properties (such as structural, functional, and spatial information, amino acid conservation, physicochemical variation, residue mobility, and thermodynamic stability) performed at Invitae indicates that this missense variant is not expected to disrupt TNNI3K protein function. This variant has not been reported in the literature in individuals affected with TNNI3K-related conditions. This variant is not present in population databases (gnomAD no frequency). This sequence change replaces glutamine, which is neutral and polar, with histidine, which is basic and polar, at codon 262 of the TNNI3K protein (p.Gln262His).